The following is an entry in ClinVar:

ClinVar aggregate classification (germline): Benign/Likely benign. Review status: criteria provided, multiple submitters, no conflicts (2 of 4 stars). 5 submissions from 5 submitters: Benign (1); Likely benign (4). Last evaluated 2025-05-20.

Conditions:
Hereditary cancer-predisposing syndrome. Also called: Neoplastic Syndromes, Hereditary; Tumor predisposition; Hereditary Cancer Syndrome; Hereditary neoplastic syndrome. Identifiers: Orphanet 140162, MedGen C0027672, MeSH D009386, MONDO:0015356.
Peutz-Jeghers syndrome (PJS). Also called: POLYPOSIS, HAMARTOMATOUS INTESTINAL; POLYPS-AND-SPOTS SYNDROME; Peutz-Jeghers polyposis; Periorificial lentiginosis syndrome. Identifiers: Orphanet 2869, MedGen C0031269, MeSH D010580, MONDO:0008280, OMIM 175200.

gnomAD v4.1: 9 of 1,592,196 alleles (0.00057%); highest among the groups gnomAD compares: African/African-American, 0.0067%; no homozygotes.

Submissions (5):

Labcorp Genetics (formerly Invitae), Labcorp
Classification: Likely benign for Peutz-Jeghers syndrome. Last evaluated: 2025-05-20. Review status: criteria provided, single submitter. Criteria: Invitae Variant Classification Sherloc (09022015). Collection method: clinical testing. Allele origin: germline.

Myriad Genetics, Inc.
Classification: Benign for Peutz-Jeghers syndrome. Last evaluated: 2025-03-31. Review status: criteria provided, single submitter. Criteria: Myriad Autosomal Dominant, Autosomal Recessive and X-Linked Classification Criteria (2023). Collection method: clinical testing. Allele origin: unknown.
Comment: This variant is considered benign. This variant is a silent/synonymous amino acid change and it is not expected to impact splicing.

Color Diagnostics, LLC DBA Color Health
Classification: Likely benign for Hereditary cancer-predisposing syndrome. Last evaluated: 2023-07-26. Review status: criteria provided, single submitter. Criteria: ACMG Guidelines, 2015. Collection method: clinical testing. Allele origin: germline.

Blueprint Genetics
Classification: Likely benign. Last evaluated: 2023-02-10. Review status: criteria provided, single submitter. Criteria: ACMG Guidelines, 2015. Collection method: clinical testing. Allele origin: germline.

Ambry Genetics
Classification: Likely benign for Hereditary cancer-predisposing syndrome. Last evaluated: 2019-02-12. Review status: criteria provided, single submitter. Criteria: Ambry Variant Classification Scheme 2023. Collection method: clinical testing. Allele origin: germline.

NM_000455.5(STK11):c.1218G>C (p.Ala406=)

Gene: STK11 (serine/threonine kinase 11; plus strand). Cytogenetic location: 19p13.3.
Variant type: single nucleotide variant.
Coding change: c.1218G>C on transcript NM_000455.5 (MANE Select); coding-DNA position 1218, G replaced by C.
Protein change: p.Ala406=; no amino-acid change (alanine 406 retained).
Molecular consequence: synonymous variant.
Genome position (GRCh38, 1-based): chr19:1,226,563, G>C. VCF-style: chr19-1226563-G-C. GRCh37 (hg19) VCF-style: chr19-1226562-G-C.
Identifiers: ClinVar variation 412538 (VCV000412538.21), dbSNP rs769772524, ClinGen allele CA16616038.